The following is an entry in ClinVar:

NM_031407.7(HUWE1):c.2561C>T (p.Ser854Phe)

Gene: HUWE1 (HECT, UBA and WWE domain containing E3 ubiquitin protein ligase 1; minus strand). Cytogenetic location: Xp11.22.
Variant type: single nucleotide variant.
Coding change: c.2561C>T on transcript NM_031407.7 (MANE Select); coding-DNA position 2561, C replaced by T.
Protein change: p.Ser854Phe; replaces serine 854 with phenylalanine.
Molecular consequence: missense variant.
Genome position (GRCh38, 1-based): chrX:53,604,770, G>A on the plus strand (C>T on the coding strand, the complement: HUWE1 is on the minus strand). VCF-style: chrX-53604770-G-A. GRCh37 (hg19) VCF-style: chrX-53631731-G-A.
Other names: short protein forms S854F.
Identifiers: ClinVar variation 2812921 (VCV002812921.3), dbSNP rs2526915240, ClinGen allele CA413181476.

ClinVar aggregate classification (germline): Uncertain significance (1 of 4 stars; one submission).

Submission:

Labcorp Genetics (formerly Invitae), Labcorp
Classification: Uncertain significance. Last evaluated: 2022-11-08. Review status: criteria provided, single submitter. Criteria: Invitae Variant Classification Sherloc (09022015). Collection method: clinical testing. Allele origin: germline.
Comment: This sequence change replaces serine, which is neutral and polar, with phenylalanine, which is neutral and non-polar, at codon 854 of the HUWE1 protein (p.Ser854Phe). In summary, the available evidence is currently insufficient to determine the role of this variant in disease. Therefore, it has been classified as a Variant of Uncertain Significance. Advanced modeling of protein sequence and biophysical properties (such as structural, functional, and spatial information, amino acid conservation, physicochemical variation, residue mobility, and thermodynamic stability) has been performed at Invitae for this missense variant, however the output from this modeling did not meet the statistical confidence thresholds required to predict the impact of this variant on HUWE1 protein function. This variant has not been reported in the literature in individuals affected with HUWE1-related conditions. This variant is not present in population databases (gnomAD no frequency).